The following is an entry in ClinVar:

ClinVar aggregate classification (germline): Uncertain significance. Review status: criteria provided, multiple submitters, no conflicts (2 of 4 stars). 2 submissions from 2 submitters: Uncertain significance (2). Last evaluated 2026-01-05.

Conditions:
Muscular dystrophy-dystroglycanopathy (congenital with brain and eye anomalies), type a, 8 (MDDGA8). Also called: WALKER-WARBURG SYNDROME OR MUSCLE-EYE-BRAIN DISEASE, GTDC2-RELATED. Identifiers: Orphanet 899, MedGen C3553813, MONDO:0013904, OMIM 614830.

Allele frequency attached by ClinVar (database versions not stated): gnomAD 0.00013 and 0.00016; gnomAD exomes 0.00004; ExAC 0.00002; ESP Exome Variant Server 0.00015; TOPMed 0.00016.
gnomAD v4.1: 51 of 1,613,988 alleles (0.0032%); highest among the groups gnomAD compares: African/African-American, 0.033%; no homozygotes.

Submissions (2):

Labcorp Genetics (formerly Invitae), Labcorp
Classification: Uncertain significance for Muscular dystrophy-dystroglycanopathy (congenital with brain and eye anomalies), type a, 8. Last evaluated: 2026-01-05. Review status: criteria provided, single submitter. Criteria: Invitae Variant Classification Sherloc (09022015). Collection method: clinical testing. Allele origin: germline.
Comment: This sequence change replaces aspartic acid, which is acidic and polar, with asparagine, which is neutral and polar, at codon 372 of the POMGNT2 protein (p.Asp372Asn). This variant is present in population databases (rs147129872, gnomAD 0.03%). This variant has not been reported in the literature in individuals affected with POMGNT2-related conditions. ClinVar contains an entry for this variant (Variation ID: 578252). Invitae Evidence Modeling of protein sequence and biophysical properties (such as structural, functional, and spatial information, amino acid conservation, physicochemical variation, residue mobility, and thermodynamic stability) indicates that this missense variant is not expected to disrupt POMGNT2 protein function with a negative predictive value of 80%. In summary, the available evidence is currently insufficient to determine the role of this variant in disease. Therefore, it has been classified as a Variant of Uncertain Significance.

Revvity Omics, Revvity
Classification: Uncertain significance. Last evaluated: 2024-03-27. Review status: criteria provided, single submitter. Criteria: ACMG Guidelines, 2015. Collection method: clinical testing. Allele origin: germline.

NM_032806.6(POMGNT2):c.1114G>A (p.Asp372Asn)

Gene: POMGNT2 (protein O-linked mannose N-acetylglucosaminyltransferase 2 (beta 1,4-); minus strand). Cytogenetic location: 3p22.1.
Variant type: single nucleotide variant.
Coding change: c.1114G>A on transcript NM_032806.6 (MANE Select); coding-DNA position 1114, G replaced by A.
Protein change: p.Asp372Asn; replaces aspartic acid 372 with asparagine.
Molecular consequence: missense variant.
Genome position (GRCh38, 1-based): chr3:43,080,318, C>T on the plus strand (G>A on the coding strand, the complement: POMGNT2 is on the minus strand). VCF-style: chr3-43080318-C-T. GRCh37 (hg19) VCF-style: chr3-43121810-C-T.
Other names: short protein forms D372N.
Identifiers: ClinVar variation 578252 (VCV000578252.7), dbSNP rs147129872, ClinGen allele CA2339927.